The following is an entry in ClinVar:

NM_000038.6(APC):c.5284A>G (p.Lys1762Glu)

Gene: APC (APC regulator of Wnt signaling pathway; plus strand). Cytogenetic location: 5q22.2.
Variant type: single nucleotide variant.
Coding change: c.5284A>G on transcript NM_000038.6 (MANE Select); coding-DNA position 5284, A replaced by G.
Protein change: p.Lys1762Glu; replaces lysine 1762 with glutamic acid.
Molecular consequence: missense variant.
Genome position (GRCh38, 1-based): chr5:112,840,878, A>G. VCF-style: chr5-112840878-A-G. GRCh37 (hg19) VCF-style: chr5-112176575-A-G.
Other names: c.5284A>G, p.Lys1762Glu (NM_001127510.3, NM_001354895.2); c.5230A>G, p.Lys1744Glu (NM_001127511.3); c.5338A>G, p.Lys1780Glu (NM_001354896.2); c.5314A>G, p.Lys1772Glu (NM_001354897.2); c.5209A>G, p.Lys1737Glu (NM_001354898.2); c.5200A>G, p.Lys1734Glu (NM_001354899.2); c.5161A>G, p.Lys1721Glu (NM_001354900.2); c.5107A>G, p.Lys1703Glu (NM_001354901.2); and 5 more; short protein forms K1744E, K1762E, K1671E, K1721E, K1780E, K1636E, K1661E, K1734E.
Identifiers: ClinVar variation 573627 (VCV000573627.14), dbSNP rs1561599007, ClinGen allele CA16032879.

ClinVar aggregate classification (germline): Uncertain significance. Review status: criteria provided, multiple submitters, no conflicts (2 of 4 stars). 2 submissions from 2 submitters: Uncertain significance (2). Last evaluated 2023-05-19.

Conditions:
Hereditary cancer-predisposing syndrome. Also called: Neoplastic Syndromes, Hereditary; Hereditary Cancer Syndrome; Tumor predisposition; Hereditary neoplastic syndrome. Identifiers: Orphanet 140162, MedGen C0027672, MeSH D009386, MONDO:0015356.
Familial adenomatous polyposis 1 (FAP1). Also called: POLYPOSIS, ADENOMATOUS INTESTINAL; FAMILIAL ADENOMATOUS POLYPOSIS 1, ATTENUATED. Identifiers: MedGen C2713442, MONDO:0021056, OMIM 175100. Disease mechanism: loss of function.

Submissions (2):

Labcorp Genetics (formerly Invitae), Labcorp
Classification: Uncertain significance for Familial adenomatous polyposis 1. Last evaluated: 2023-05-19. Review status: criteria provided, single submitter. Criteria: Invitae Variant Classification Sherloc (09022015). Collection method: clinical testing. Allele origin: germline.
Comment: This sequence change replaces lysine, which is basic and polar, with glutamic acid, which is acidic and polar, at codon 1762 of the APC protein (p.Lys1762Glu). This variant is not present in population databases (gnomAD no frequency). This variant has not been reported in the literature in individuals affected with APC-related conditions. ClinVar contains an entry for this variant (Variation ID: 573627). Advanced modeling of protein sequence and biophysical properties (such as structural, functional, and spatial information, amino acid conservation, physicochemical variation, residue mobility, and thermodynamic stability) performed at Invitae indicates that this missense variant is not expected to disrupt APC protein function. In summary, the available evidence is currently insufficient to determine the role of this variant in disease. Therefore, it has been classified as a Variant of Uncertain Significance.

Ambry Genetics
Classification: Uncertain significance for Hereditary cancer-predisposing syndrome. Last evaluated: 2020-09-28. Review status: criteria provided, single submitter. Criteria: Ambry Variant Classification Scheme 2023. Collection method: clinical testing. Allele origin: germline.
Comment: The p.K1762E variant (also known as c.5284A>G), located in coding exon 15 of the APC gene, results from an A to G substitution at nucleotide position 5284. The lysine at codon 1762 is replaced by glutamic acid, an amino acid with similar properties. This amino acid position is well conserved in available vertebrate species. In addition, in silico predictors for this gene do not accurately predict pathogenicity. Since supporting evidence is limited at this time, the clinical significance of this alteration remains unclear.